The following is an entry in ClinVar:

NM_000257.4(MYH7):c.3340C>T (p.Arg1114Cys)

Gene: MYH7 (myosin heavy chain 7; minus strand). Cytogenetic location: 14q11.2.
Variant type: single nucleotide variant.
Coding change: c.3340C>T on transcript NM_000257.4 (MANE Select); coding-DNA position 3340, C replaced by T.
Protein change: p.Arg1114Cys; replaces arginine 1114 with cysteine.
Molecular consequence: missense variant.
Genome position (GRCh38, 1-based): chr14:23,420,231, G>A on the plus strand (C>T on the coding strand, the complement: MYH7 is on the minus strand). VCF-style: chr14-23420231-G-A. GRCh37 (hg19) VCF-style: chr14-23889440-G-A.
Other names: short protein forms R1114C.
Identifiers: ClinVar variation 927789 (VCV000927789.8), dbSNP rs1204830698, ClinGen allele CA389044214.

ClinVar aggregate classification (germline): Uncertain significance. Review status: criteria provided, multiple submitters, no conflicts (2 of 4 stars). 2 submissions from 2 submitters: Uncertain significance (2). Last evaluated 2025-10-14.

Conditions:
Hypertrophic cardiomyopathy. Also called: HYPERTROPHIC MYOCARDIOPATHY. Identifiers: Orphanet 217569, MedGen C0007194, MeSH D002312, MONDO:0005045, HP:0001639.
Cardiomyopathy (CMYO). Also called: Cardiomyopathies. Identifiers: Orphanet 167848, MedGen C0878544, MONDO:0004994, HP:0001638. Inheritance: Various modes of inheritance.

Allele frequency attached by ClinVar (database versions not stated): gnomAD exomes below 0.00001.
gnomAD v4.1: 1 of 1,609,306 alleles (0.000062%); highest among the groups gnomAD compares: Non-Finnish European, 0.000085%; no homozygotes.

Submissions (2):

Color Diagnostics, LLC DBA Color Health
Classification: Uncertain significance for Cardiomyopathy. Last evaluated: 2025-10-14. Review status: criteria provided, single submitter. Criteria: ACMG Guidelines, 2015. Collection method: clinical testing. Allele origin: germline.
Comment: This missense variant replaces arginine with cysteine at codon 1114 of the MYH7 protein. Computational prediction suggests that this variant may have a deleterious impact on protein structure and function. To our knowledge, functional studies have not been reported for this variant. This variant has been reported in a family affected with hypertrophic cardiomyopathy (DOI:10.1016/j.jacc.2015.06.1222). Three of six carriers in this family were affected with hypertrophic cardiomyopathy. This variant has been identified in 1/1458250 chromosomes in the general population by the Genome Aggregation Database (gnomAD). The available evidence is insufficient to determine the role of this variant in disease conclusively. Therefore, this variant is classified as a Variant of Uncertain Significance.

Labcorp Genetics (formerly Invitae), Labcorp
Classification: Uncertain significance for Hypertrophic cardiomyopathy. Last evaluated: 2024-06-25. Review status: criteria provided, single submitter. Criteria: Invitae Variant Classification Sherloc (09022015). Collection method: clinical testing. Allele origin: germline.
Comment: This sequence change replaces arginine, which is basic and polar, with cysteine, which is neutral and slightly polar, at codon 1114 of the MYH7 protein (p.Arg1114Cys). This variant is not present in population databases (gnomAD no frequency). This variant has not been reported in the literature in individuals affected with MYH7-related conditions. ClinVar contains an entry for this variant (Variation ID: 927789). Advanced modeling of protein sequence and biophysical properties (such as structural, functional, and spatial information, amino acid conservation, physicochemical variation, residue mobility, and thermodynamic stability) performed at Invitae indicates that this missense variant is expected to disrupt MYH7 protein function with a positive predictive value of 95%. In summary, the available evidence is currently insufficient to determine the role of this variant in disease. Therefore, it has been classified as a Variant of Uncertain Significance.